The following is an entry in ClinVar:

NM_002495.4(NDUFS4):c.101C>T (p.Ser34Leu)

Gene: NDUFS4 (NADH:ubiquinone oxidoreductase subunit S4; plus strand). Cytogenetic location: 5q11.2.
Variant type: single nucleotide variant.
Coding change: c.101C>T on transcript NM_002495.4 (MANE Select); coding-DNA position 101, C replaced by T.
Protein change: p.Ser34Leu; replaces serine 34 with leucine.
Molecular consequence: missense variant. On other transcripts: non-coding transcript variant (3).
Genome position (GRCh38, 1-based): chr5:53,603,454, C>T. VCF-style: chr5-53603454-C-T. GRCh37 (hg19) VCF-style: chr5-52899284-C-T.
Other names: c.101C>T, p.Ser34Leu (NM_001318051.2); short protein forms S34L.
Identifiers: ClinVar variation 1903400 (VCV001903400.2), dbSNP rs772784623, ClinGen allele CA3264181.
Genomic context (GRCh38, chr5:53,603,454, plus strand): 5'-TGTCTGTCTCTCCTCTCATTGCCTGGATCCTTTTTTAACTTAAAGTCTTGCACTGCAGGT[C>T]GTTGAGGACTTCCACATGGAGATTGGCACAGGACCAGACTCAAGACACACAACTCATAAC-3'
Protein context (NP_002486.1, residues 24-44): ALSVSRVPTR[Ser34Leu]LRTSTWRLAQ

ClinVar aggregate classification (germline): Uncertain significance (1 of 4 stars; one submission).

Allele frequency attached by ClinVar (database versions not stated): gnomAD 0.00001; TOPMed 0.00001.
gnomAD v4.1: 22 of 1,611,966 alleles (0.0014%); highest among the groups gnomAD compares: Non-Finnish European, 0.0018%; no homozygotes.

Submission:

Labcorp Genetics (formerly Invitae), Labcorp
Classification: Uncertain significance. Last evaluated: 2022-02-22. Review status: criteria provided, single submitter. Criteria: Invitae Variant Classification Sherloc (09022015). Collection method: clinical testing. Allele origin: germline.
Comment: This sequence change replaces serine, which is neutral and polar, with leucine, which is neutral and non-polar, at codon 34 of the NDUFS4 protein (p.Ser34Leu). This variant is present in population databases (rs772784623, gnomAD 0.003%). This variant has not been reported in the literature in individuals affected with NDUFS4-related conditions. Algorithms developed to predict the effect of missense changes on protein structure and function output the following: SIFT: "Not Available"; PolyPhen-2: "Benign"; Align-GVGD: "Not Available". The leucine amino acid residue is found in multiple mammalian species, which suggests that this missense change does not adversely affect protein function. In summary, the available evidence is currently insufficient to determine the role of this variant in disease. Therefore, it has been classified as a Variant of Uncertain Significance.